The following is an entry in ClinVar:

ClinVar aggregate classification (germline): Uncertain significance (1 of 4 stars; one submission).

Conditions:
Brugada syndrome 8 (BRGDA8). Identifiers: Orphanet 130, MedGen C2751083, MONDO:0013148, OMIM 613123.

Allele frequency attached by ClinVar (database versions not stated): gnomAD exomes below 0.00001.
gnomAD v4.1: 3 of 1,614,094 alleles (0.00019%); highest among the groups gnomAD compares: Non-Finnish European, 0.00017%; no homozygotes.

Submission:

Labcorp Genetics (formerly Invitae), Labcorp
Classification: Uncertain significance for Brugada syndrome 8. Last evaluated: 2022-10-25. Review status: criteria provided, single submitter. Criteria: Invitae Variant Classification Sherloc (09022015). Collection method: clinical testing. Allele origin: germline.
Comment: In summary, the available evidence is currently insufficient to determine the role of this variant in disease. Therefore, it has been classified as a Variant of Uncertain Significance. Advanced modeling of protein sequence and biophysical properties (such as structural, functional, and spatial information, amino acid conservation, physicochemical variation, residue mobility, and thermodynamic stability) performed at Invitae indicates that this missense variant is expected to disrupt HCN4 protein function. This variant has not been reported in the literature in individuals affected with HCN4-related conditions. This variant is not present in population databases (gnomAD no frequency). This sequence change replaces aspartic acid, which is acidic and polar, with asparagine, which is neutral and polar, at codon 309 of the HCN4 protein (p.Asp309Asn).

NM_005477.3(HCN4):c.925G>A (p.Asp309Asn)

Genes: HCN4 (hyperpolarization activated cyclic nucleotide gated potassium channel 4; minus strand), LOC105370890 (uncharacterized LOC105370890; plus strand), LOC126862173 (CDK7 strongly-dependent group 2 enhancer GRCh37_chr15:73635762-73636961; plus strand). Cytogenetic location: 15q24.1.
Variant type: single nucleotide variant.
Coding change: c.925G>A on transcript NM_005477.3 (MANE Select); coding-DNA position 925, G replaced by A.
Protein change: p.Asp309Asn; replaces aspartic acid 309 with asparagine.
Molecular consequence: missense variant.
Genome position (GRCh38, 1-based): chr15:73,343,669, C>T on the plus strand (G>A on the coding strand, the complement: HCN4 is on the minus strand). VCF-style: chr15-73343669-C-T. GRCh37 (hg19) VCF-style: chr15-73636010-C-T.
Other names: short protein forms D309N.
Identifiers: ClinVar variation 2074161 (VCV002074161.4), dbSNP rs2549074838, ClinGen allele CA393095239.